The following is an entry in ClinVar:

NM_001843.4(CNTN1):c.1014T>C (p.Asn338=)

Gene: CNTN1 (contactin 1; plus strand). Cytogenetic location: 12q12.
Variant type: single nucleotide variant.
Coding change: c.1014T>C on transcript NM_001843.4 (MANE Select); coding-DNA position 1014, T replaced by C.
Protein change: p.Asn338=; no amino-acid change (asparagine 338 retained).
Molecular consequence: synonymous variant.
Genome position (GRCh38, 1-based): chr12:40,936,809, T>C. VCF-style: chr12-40936809-T-C. GRCh37 (hg19) VCF-style: chr12-41330611-T-C.
Other names: c.1014T>C, p.Asn338= (NM_001256063.2, NM_001256064.2); c.981T>C, p.Asn327= (NM_175038.2).
Identifiers: ClinVar variation 128790 (VCV000128790.17), dbSNP rs935105, ClinGen allele CA152436.
Genomic context (GRCh38, chr12:40,936,809, plus strand): 5'-ATTTAACATTTACAATGTTCCTTACTTTTTAGCATTCCCTGAGTGGGTAGAACACATCAA[T>C]GACACAGAGGTGGACATAGGCAGTGATCTCTACTGGCCTTGTGTGGCCACAGGAAAGCCC-3'
Protein context (NP_001834.2, residues 328-348): QAFPEWVEHI[Asn338=]DTEVDIGSDL

ClinVar aggregate classification (germline): Benign. Review status: criteria provided, multiple submitters, no conflicts (2 of 4 stars). 5 submissions from 5 submitters: Benign (5). Last evaluated 2026-02-03.

Conditions:
Compton-North congenital myopathy (CMYO12). Identifiers: Orphanet 210163, MedGen C2675527, MONDO:0012929, OMIM 612540.

Allele frequency attached by ClinVar (database versions not stated): 1000 Genomes Project 0.10803; 1000 Genomes Project 30x 0.11102; ExAC 0.11476; gnomAD exomes 0.11584; gnomAD 0.13513 and 0.13920; TOPMed 0.13554; ESP Exome Variant Server 0.13755.
gnomAD v4.1: 197,958 of 1,612,934 alleles (12%); highest among the groups gnomAD compares: African/African-American, 17%; 12,701 homozygotes.

Submissions (5):

Labcorp Genetics (formerly Invitae), Labcorp
Classification: Benign for Compton-North congenital myopathy. Last evaluated: 2026-02-03. Review status: criteria provided, single submitter. Criteria: Invitae Variant Classification Sherloc (09022015). Collection method: clinical testing. Allele origin: germline.

GeneDx
Classification: Benign. Last evaluated: 2016-01-26. Review status: criteria provided, single submitter. Criteria: GeneDx Variant Classification (06012015). Collection method: clinical testing. Allele origin: germline. Affected: yes.
Comment: This variant is considered likely benign or benign based on one or more of the following criteria: it is a conservative change, it occurs at a poorly conserved position in the protein, it is predicted to be benign by multiple in silico algorithms, and/or has population frequency not consistent with disease.

Genetic Services Laboratory, University of Chicago
Classification: Benign for AllHighlyPenetrant. Last evaluated: 2013-08-15. Review status: criteria provided, single submitter. Criteria: ACMG Guidelines, 2007. Collection method: clinical testing. Allele origin: germline. Inheritance: Autosomal recessive inheritance.

Breakthrough Genomics
Classification: Benign. Review status: criteria provided, single submitter. Criteria: ACMG Guidelines, 2015. Collection method: not provided. Allele origin: germline. Inheritance: Autosomal recessive inheritance. Affected: yes.

PreventionGenetics, part of Exact Sciences
Classification: Benign. Review status: criteria provided, single submitter. Criteria: ACMG Guidelines, 2015. Collection method: clinical testing. Allele origin: germline.